The following is an entry in ClinVar:

ClinVar aggregate classification (germline): Uncertain significance (1 of 4 stars; one submission).

Conditions:
Long QT syndrome (LQTS). Identifiers: MedGen C0023976, MeSH D008133, MONDO:0002442. Disease mechanism: loss of function. Inheritance: Various modes of inheritance.

Submission:

Labcorp Genetics (formerly Invitae), Labcorp
Classification: Uncertain significance for Long QT syndrome. Last evaluated: 2023-08-11. Review status: criteria provided, single submitter. Criteria: Invitae Variant Classification Sherloc (09022015). Collection method: clinical testing. Allele origin: germline.
Comment: In summary, the available evidence is currently insufficient to determine the role of this variant in disease. Therefore, it has been classified as a Variant of Uncertain Significance. Algorithms developed to predict the effect of sequence changes on RNA splicing suggest that this variant may create or strengthen a splice site. Advanced modeling of protein sequence and biophysical properties (such as structural, functional, and spatial information, amino acid conservation, physicochemical variation, residue mobility, and thermodynamic stability) performed at Invitae indicates that this missense variant is expected to disrupt CACNA1C protein function. This variant has not been reported in the literature in individuals affected with CACNA1C-related conditions. This variant is not present in population databases (gnomAD no frequency). This sequence change replaces glutamic acid, which is acidic and polar, with glycine, which is neutral and non-polar, at codon 570 of the CACNA1C protein (p.Glu570Gly).

NM_000719.7(CACNA1C):c.1709A>G (p.Glu570Gly)

Gene: CACNA1C (calcium voltage-gated channel subunit alpha1 C; plus strand). Cytogenetic location: 12p13.33.
Variant type: single nucleotide variant.
Coding change: c.1709A>G on transcript NM_000719.7 (MANE Select); coding-DNA position 1709, A replaced by G.
Protein change: p.Glu570Gly; replaces glutamic acid 570 with glycine.
Molecular consequence: missense variant.
Genome position (GRCh38, 1-based): chr12:2,567,608, A>G. VCF-style: chr12-2567608-A-G. GRCh37 (hg19) VCF-style: chr12-2676774-A-G.
Other names: c.1709A>G, p.Glu570Gly (NM_001129827.2, NM_001129829.2, NM_001129830.3 and 18 more transcripts); c.1700A>G, p.Glu567Gly (NM_001129844.2); short protein forms E567G, E570G.
Identifiers: ClinVar variation 2750426 (VCV002750426.3), dbSNP rs2512917639, ClinGen allele CA383368832.